The following is an entry in ClinVar:

NM_144966.5(FREM1):c.*1465G>A

Gene: FREM1 (FRAS1 related extracellular matrix 1; minus strand). Cytogenetic location: 9p22.3.
Variant type: single nucleotide variant.
Coding change: c.*1465G>A on transcript NM_144966.5; 1465 bases downstream of the stop codon, G replaced by A.
Genome position (GRCh38, 1-based): chr9:14,735,931, C>T on the plus strand (G>A on the coding strand, the complement: FREM1 is on the minus strand). VCF-style: chr9-14735931-C-T. GRCh37 (hg19) VCF-style: chr9-14735929-C-T.
Identifiers: ClinVar variation 366073 (VCV000366073.7), dbSNP rs78207703, ClinGen allele CA10629702.
Genomic context (GRCh38, chr9:14,735,931, plus strand): 5'-TGCGACATCTCAGGTAAGGACCCTCTGACACTATAATTATGTTTAGATTTAAGTAATAGA[C>T]AGAATGTCTGGATCATATTCCAATATCTCTTTCTAAATGTTTCTATTAATTACAACCTTG-3'

ClinVar aggregate classification (germline): Benign (1 of 4 stars; one submission).

Conditions:
Oculotrichoanal syndrome (MOTA). Also called: MARLES SYNDROME; Manitoba Oculotrichoanal (MOTA) Syndrome. Identifiers: Orphanet 2717, MedGen C1855425, MONDO:0009560, OMIM 248450.

Allele frequency attached by ClinVar (database versions not stated): 1000 Genomes Project 30x 0.01093; 1000 Genomes Project 0.01058; gnomAD 0.01175 and 0.01088; TOPMed 0.01180.

Submission:

Illumina Laboratory Services, Illumina
Classification: Benign for Oculotrichoanal syndrome. Last evaluated: 2018-01-13. Review status: criteria provided, single submitter. Criteria: ICSL Variant Classification Criteria 13 December 2019. Collection method: clinical testing. Allele origin: germline.
Comment: This variant was observed in the ICSL laboratory as part of a predisposition screen in an ostensibly healthy population. It had not been previously curated by ICSL or reported in the Human Gene Mutation Database (HGMD: prior to June 1st, 2018), and was therefore a candidate for classification through an automated scoring system. Utilizing variant allele frequency, disease prevalence and penetrance estimates, and inheritance mode, an automated score was calculated to assess if this variant is too frequent to cause the disease. Based on the score and internal cut-off values, a variant classified as benign is not then subjected to further curation. The score for this variant resulted in a classification of benign for this disease.